The following is an entry in ClinVar:

ClinVar aggregate classification (germline): Uncertain significance (1 of 4 stars; one submission).

Submission:

Women's Health and Genetics/Laboratory Corporation of America, LabCorp
Classification: Uncertain significance. Last evaluated: 2025-02-13. Review status: criteria provided, single submitter. Criteria: LabCorp Variant Classification Summary - May 2015. Collection method: clinical testing. Allele origin: germline.
Comment: Variant summary: TSC2 c.2271C>A (p.Phe757Leu) results in a non-conservative amino acid change in the encoded protein sequence. Four of five in-silico tools predict a damaging effect of the variant on protein function. The variant was absent in 251070 control chromosomes. The available data on variant occurrences in the general population are insufficient to allow any conclusion about variant significance. To our knowledge, no occurrence of c.2271C>A in individuals affected with Tuberous Sclerosis Complex and no experimental evidence demonstrating its impact on protein function have been reported. No submitters have cited clinical-significance assessments for this variant to ClinVar. Based on the evidence outlined above, the variant was classified as uncertain significance.

NM_000548.5(TSC2):c.2271C>A (p.Phe757Leu)

Gene: TSC2 (TSC complex subunit 2; plus strand). Cytogenetic location: 16p13.3.
Variant type: single nucleotide variant.
Coding change: c.2271C>A on transcript NM_000548.5 (MANE Select); coding-DNA position 2271, C replaced by A.
Protein change: p.Phe757Leu; replaces phenylalanine 757 with leucine.
Molecular consequence: missense variant. On other transcripts: non-coding transcript variant (5).
Genome position (GRCh38, 1-based): chr16:2,072,899, C>A. VCF-style: chr16-2072899-C-A. GRCh37 (hg19) VCF-style: chr16-2122900-C-A.
Other names: c.2271C>A, p.Phe757Leu (NM_001077183.3, NM_001114382.3, NM_001363528.2 and 6 more transcripts); c.2160C>A, p.Phe720Leu (NM_001318827.2, NM_001406670.1, NM_001406678.1); c.2124C>A, p.Phe708Leu (NM_001318829.2, NM_001406675.1, NM_001406676.1 and 1 more transcripts); c.1671C>A, p.Phe557Leu (NM_001318831.2, NM_001406680.1, NM_001406682.1 and 6 more transcripts); c.2304C>A, p.Phe768Leu (NM_001318832.2); c.2361C>A, p.Phe787Leu (NM_001406667.1, NM_001406668.1); c.2259C>A, p.Phe753Leu (NM_001406671.1, NM_001406673.1); c.2214C>A, p.Phe738Leu (NM_001406677.1); and 3 more; short protein forms F223L, F309L, F557L, F603L, F708L, F720L, F738L, F753L.
Identifiers: ClinVar variation 3769064 (VCV003769064.1).